The following is an entry in ClinVar:

ClinVar aggregate classification (germline): Uncertain significance (1 of 4 stars; one submission).

Conditions:
Emery-Dreifuss muscular dystrophy 5, autosomal dominant (EDMD5). Also called: EMERY-DREIFUSS MUSCULAR DYSTROPHY 5. Identifiers: Orphanet 261, MedGen C2751805, MONDO:0013072, OMIM 612999.

Submission:

Labcorp Genetics (formerly Invitae), Labcorp
Classification: Uncertain significance for Emery-Dreifuss muscular dystrophy 5, autosomal dominant. Last evaluated: 2022-09-17. Review status: criteria provided, single submitter. Criteria: Invitae Variant Classification Sherloc (09022015). Collection method: clinical testing. Allele origin: germline.
Comment: In summary, the available evidence is currently insufficient to determine the role of this variant in disease. Therefore, it has been classified as a Variant of Uncertain Significance. Algorithms developed to predict the effect of missense changes on protein structure and function (SIFT, PolyPhen-2, Align-GVGD) all suggest that this variant is likely to be tolerated. This variant has not been reported in the literature in individuals affected with SYNE2-related conditions. This variant is not present in population databases (gnomAD no frequency). This sequence change replaces isoleucine, which is neutral and non-polar, with threonine, which is neutral and polar, at codon 5671 of the SYNE2 protein (p.Ile5671Thr).

NM_182914.3(SYNE2):c.17012T>C (p.Ile5671Thr)

Gene: SYNE2 (spectrin repeat containing nuclear envelope protein 2; plus strand). Cytogenetic location: 14q23.2.
Variant type: single nucleotide variant.
Coding change: c.17012T>C on transcript NM_182914.3 (MANE Select); coding-DNA position 17012, T replaced by C.
Protein change: p.Ile5671Thr; replaces isoleucine 5671 with threonine.
Molecular consequence: missense variant.
Genome position (GRCh38, 1-based): chr14:64,170,239, T>C. VCF-style: chr14-64170239-T-C. GRCh37 (hg19) VCF-style: chr14-64636957-T-C.
Other names: c.17012T>C, p.Ile5671Thr (NM_015180.6); short protein forms I5671T.
Identifiers: ClinVar variation 1895816 (VCV001895816.5), dbSNP rs2549608380, ClinGen allele CA389972128.